The following is an entry in ClinVar:

NM_001386795.1(DTNA):c.1001+31del

Gene: DTNA (dystrobrevin alpha; plus strand). Cytogenetic location: 18q12.1.
Variant type: Deletion.
Coding change: c.1001+31del on transcript NM_001386795.1 (MANE Select); 31 bases into the intron after coding-DNA position 1001, one base deleted (C; older notation c.1001+31delC).
Molecular consequence: intron variant.
Genome position (GRCh38, 1-based): chr18:34,820,946, C deleted. VCF-style (leftmost placement, unchanged base first): chr18-34820945-AC-A. GRCh37 (hg19) VCF-style: chr18-32400909-AC-A.
Other names: c.1001+31del (NM_032975.4, NM_001386761.1, NM_001386762.1 and 34 more transcripts); c.603+8833del (NM_001198945.2); c.251+31del (NM_001198943.1); c.47+31del (NM_001198942.1, NM_001198944.1, NM_032980.4 and 1 more transcripts); c.1001+31delC (NM_001390.4).
Identifiers: ClinVar variation 671297 (VCV000671297.1), dbSNP rs3216115, ClinGen allele CA8935514.
Genomic context (GRCh38, chr18:34,820,945, plus strand): 5'-CTGAGAAGCCACTCAACTTGGCTCACATCGTGTGAGTATCCCTACCCTCCCAGTATAGAG[AC>A]AATTTTCTTCAAGGGCACATGTCTGGAGCCACACAAAAGCAATTTCCTATCAGTGGTCAG-3'

ClinVar aggregate classification (germline): Benign (1 of 4 stars; one submission).

Allele frequency attached by ClinVar (database versions not stated): gnomAD exomes 0.10540 and 0.11121; ExAC 0.10961; 1000 Genomes Project 0.11462; 1000 Genomes Project 30x 0.12039; TOPMed 0.13734; gnomAD 0.14138 and 0.14579; ESP Exome Variant Server 0.15234.

Submission:

GeneDx
Classification: Benign. Last evaluated: 2018-06-16. Review status: criteria provided, single submitter. Criteria: GeneDx Variant Classification (06012015). Collection method: clinical testing. Allele origin: germline. Affected: yes.
Comment: This variant is considered likely benign or benign based on one or more of the following criteria: it is a conservative change, it occurs at a poorly conserved position in the protein, it is predicted to be benign by multiple in silico algorithms, and/or has population frequency not consistent with disease.